The following is an entry in ClinVar:

NM_017841.4(SDHAF2):c.169G>A (p.Glu57Lys)

Gene: SDHAF2 (succinate dehydrogenase complex assembly factor 2; plus strand). Cytogenetic location: 11q12.2.
Variant type: single nucleotide variant.
Coding change: c.169G>A on transcript NM_017841.4 (MANE Select); coding-DNA position 169, G replaced by A.
Protein change: p.Glu57Lys; replaces glutamic acid 57 with lysine.
Molecular consequence: missense variant.
Genome position (GRCh38, 1-based): chr11:61,437,757, G>A. VCF-style: chr11-61437757-G-A. GRCh37 (hg19) VCF-style: chr11-61205229-G-A.
Other names: short protein forms E57K.
Identifiers: ClinVar variation 943146 (VCV000943146.9), dbSNP rs759556749, ClinGen allele CA057883.

ClinVar aggregate classification (germline): Uncertain significance. Review status: criteria provided, multiple submitters, no conflicts (2 of 4 stars). 3 submissions from 3 submitters: Uncertain significance (3). Last evaluated 2025-11-03.

Conditions:
Hereditary cancer-predisposing syndrome. Also called: Hereditary neoplastic syndrome; Hereditary Cancer Syndrome; Tumor predisposition; Neoplastic Syndromes, Hereditary. Identifiers: Orphanet 140162, MedGen C0027672, MeSH D009386, MONDO:0015356.
Hereditary pheochromocytoma and paraganglioma. Also called: Hereditary pheochromocytoma-paraganglioma; Hereditary Paraganglioma-Pheochromocytoma Syndromes; Hereditary paragangliomas and pheochromocytomas. Identifiers: Orphanet 29072, MedGen C4274332, MONDO:0017366.

Allele frequency attached by ClinVar (database versions not stated): gnomAD exomes below 0.00001 and 0.00001; ExAC 0.00001.

Submissions (3):

Labcorp Genetics (formerly Invitae), Labcorp
Classification: Uncertain significance for Hereditary pheochromocytoma and paraganglioma. Last evaluated: 2025-11-03. Review status: criteria provided, single submitter. Criteria: Invitae Variant Classification Sherloc (09022015). Collection method: clinical testing. Allele origin: germline.
Comment: This sequence change replaces glutamic acid, which is acidic and polar, with lysine, which is basic and polar, at codon 57 of the SDHAF2 protein (p.Glu57Lys). This variant is present in population databases (rs759556749, gnomAD 0.006%). This variant has not been reported in the literature in individuals affected with SDHAF2-related conditions. ClinVar contains an entry for this variant (Variation ID: 943146). An algorithm developed to predict the effect of missense changes on protein structure and function (PolyPhen-2) suggests that this variant is likely to be disruptive. In summary, the available evidence is currently insufficient to determine the role of this variant in disease. Therefore, it has been classified as a Variant of Uncertain Significance.

Color Diagnostics, LLC DBA Color Health
Classification: Uncertain significance for Hereditary pheochromocytoma and paraganglioma. Last evaluated: 2025-08-11. Review status: criteria provided, single submitter. Criteria: ACMG Guidelines, 2015. Collection method: clinical testing. Allele origin: germline.
Comment: This missense variant replaces glutamic acid with lysine at codon 57 of the SDHAF2 protein. Computational prediction suggests that this variant may not impact protein structure and function. To our knowledge, functional studies have not been reported for this variant. This variant has not been reported in individuals affected with SDHAF2-related disorders in the literature. This variant has been identified in 2/251228 chromosomes in the general population by the Genome Aggregation Database (gnomAD). The available evidence is insufficient to determine the role of this variant in disease conclusively. Therefore, this variant is classified as a Variant of Uncertain Significance.

Ambry Genetics
Classification: Uncertain significance for Hereditary cancer-predisposing syndrome. Last evaluated: 2023-10-13. Review status: criteria provided, single submitter. Criteria: Ambry Variant Classification Scheme 2023. Collection method: clinical testing. Allele origin: germline.
Comment: The p.E57K variant (also known as c.169G>A), located in coding exon 2 of the SDHAF2 gene, results from a G to A substitution at nucleotide position 169. The glutamic acid at codon 57 is replaced by lysine, an amino acid with similar properties. This amino acid position is conserved. In addition, the in silico prediction for this alteration is inconclusive. Since supporting evidence is limited at this time, the clinical significance of this alteration remains unclear.